The following is an entry in ClinVar:

NM_006231.4(POLE):c.1021G>C (p.Ala341Pro)

Gene: POLE (DNA polymerase epsilon, catalytic subunit; minus strand). Cytogenetic location: 12q24.33.
Variant type: single nucleotide variant.
Coding change: c.1021G>C on transcript NM_006231.4 (MANE Select); coding-DNA position 1021, G replaced by C.
Protein change: p.Ala341Pro; replaces alanine 341 with proline.
Molecular consequence: missense variant.
Genome position (GRCh38, 1-based): chr12:132,675,820, C>G on the plus strand (G>C on the coding strand, the complement: POLE is on the minus strand). VCF-style: chr12-132675820-C-G. GRCh37 (hg19) VCF-style: chr12-133252406-C-G.
Other names: short protein forms A341P.
Identifiers: ClinVar variation 405664 (VCV000405664.17), dbSNP rs137860861, ClinGen allele CA16613901.

ClinVar aggregate classification (germline): Uncertain significance. Review status: criteria provided, multiple submitters, no conflicts (2 of 4 stars). 3 submissions from 3 submitters: Uncertain significance (3). Last evaluated 2026-01-09.

Conditions:
Colorectal cancer, susceptibility to, 12 (CRCS12). Also called: COLORECTAL CANCER, SUSCEPTIBILITY TO, ON CHROMOSOME 12q24. Identifiers: Orphanet 220460, MedGen C3554460, MONDO:0014038, OMIM 615083.
Hereditary cancer-predisposing syndrome. Also called: Neoplastic Syndromes, Hereditary; Tumor predisposition; Hereditary neoplastic syndrome; Hereditary Cancer Syndrome. Identifiers: Orphanet 140162, MedGen C0027672, MeSH D009386, MONDO:0015356.

gnomAD v4.1: 5 of 1,612,720 alleles (0.00031%); highest among the groups gnomAD compares: Non-Finnish European, 0.00042%; no homozygotes.

Submissions (3):

Ambry Genetics
Classification: Uncertain significance for Hereditary cancer-predisposing syndrome. Last evaluated: 2026-01-09. Review status: criteria provided, single submitter. Criteria: Ambry Variant Classification Scheme 2023. Collection method: clinical testing. Allele origin: germline.
Comment: The p.A341P variant (also known as c.1021G>C) is located in coding exon 11 of the POLE gene. The alanine at codon 341 is replaced by proline, an amino acid with highly similar properties. This change occurs in the first base pair of coding exon 11. This amino acid position is poorly conserved in available vertebrate species. In addition, this alteration is predicted to be tolerated by in silico analysis. Based on the available evidence, the clinical significance of this variant remains unclear.

Labcorp Genetics (formerly Invitae), Labcorp
Classification: Uncertain significance. Last evaluated: 2025-11-25. Review status: criteria provided, single submitter. Criteria: Invitae Variant Classification Sherloc (09022015). Collection method: clinical testing. Allele origin: germline.
Comment: This sequence change replaces alanine, which is neutral and non-polar, with proline, which is neutral and non-polar, at codon 341 of the POLE protein (p.Ala341Pro). This variant is not present in population databases (gnomAD no frequency). This variant has not been reported in the literature in individuals affected with POLE-related conditions. ClinVar contains an entry for this variant (Variation ID: 405664). An algorithm developed to predict the effect of missense changes on protein structure and function (PolyPhen-2) suggests that this variant is likely to be disruptive. RNA analysis performed to evaluate the impact of this missense change on mRNA splicing indicates it does not significantly alter splicing (internal data). In summary, the available evidence is currently insufficient to determine the role of this variant in disease. Therefore, it has been classified as a Variant of Uncertain Significance.

Baylor Genetics
Classification: Uncertain significance for Colorectal cancer, susceptibility to, 12. Last evaluated: 2023-09-29. Review status: criteria provided, single submitter. Criteria: ACMG Guidelines, 2015. Collection method: clinical testing. Allele origin: unknown.